The following is an entry in ClinVar:

NM_138386.3(NAF1):c.1070C>T (p.Ala357Val)

Gene: NAF1 (nuclear assembly factor 1 ribonucleoprotein; minus strand). Cytogenetic location: 4q32.2.
Variant type: single nucleotide variant.
Coding change: c.1070C>T on transcript NM_138386.3 (MANE Select); coding-DNA position 1070, C replaced by T.
Protein change: p.Ala357Val; replaces alanine 357 with valine.
Molecular consequence: missense variant. On other transcripts: intron variant (1).
Genome position (GRCh38, 1-based): chr4:163,129,312, G>A on the plus strand (C>T on the coding strand, the complement: NAF1 is on the minus strand). VCF-style: chr4-163129312-G-A. GRCh37 (hg19) VCF-style: chr4-164050464-G-A.
Other names: c.1034-2197C>T (NM_001128931.2); c.1070C>T (NM_138386.2); short protein forms A357V.
Identifiers: ClinVar variation 2066095 (VCV002066095.5), dbSNP rs535309059, ClinGen allele CA3126171.

ClinVar aggregate classification (germline): Uncertain significance. Review status: criteria provided, single submitter (1 of 4 stars). 2 submissions from 2 submitters: Uncertain significance (1). 1 of the submissions does not count toward it. Last evaluated 2025-07-07.

Conditions:
NAF1-related disorder. Also called: NAF1-related condition.

gnomAD v4.1: 68 of 1,613,434 alleles (0.0042%); highest among the groups gnomAD compares: Non-Finnish European, 0.0057%; no homozygotes.

Submissions (2):

Labcorp Genetics (formerly Invitae), Labcorp
Classification: Uncertain significance. Last evaluated: 2025-07-07. Review status: criteria provided, single submitter. Criteria: Invitae Variant Classification Sherloc (09022015). Collection method: clinical testing. Allele origin: germline.
Comment: This sequence change replaces alanine, which is neutral and non-polar, with valine, which is neutral and non-polar, at codon 357 of the NAF1 protein (p.Ala357Val). This variant is present in population databases (rs535309059, gnomAD 0.002%). This variant has not been reported in the literature in individuals affected with NAF1-related conditions. ClinVar contains an entry for this variant (Variation ID: 2066095). An algorithm developed to predict the effect of missense changes on protein structure and function outputs the following: PolyPhen-2: "Benign". The valine amino acid residue is found in multiple mammalian species, which suggests that this missense change does not adversely affect protein function. In summary, the available evidence is currently insufficient to determine the role of this variant in disease. Therefore, it has been classified as a Variant of Uncertain Significance.

PreventionGenetics, part of Exact Sciences
Classification: Uncertain significance for NAF1-related condition. Last evaluated: 2024-03-31. Review status: no assertion criteria provided. Collection method: clinical testing. Allele origin: germline. Not counted in ClinVar's aggregate classification.
Comment: The NAF1 c.1070C>T variant is predicted to result in the amino acid substitution p.Ala357Val. To our knowledge, this variant has not been reported in the literature. This variant is reported in 0.0023% of alleles in individuals of European (Non-Finnish) descent in gnomAD. At this time, the clinical significance of this variant is uncertain due to the absence of conclusive functional and genetic evidence.